The following is an entry in ClinVar:

NM_001868.4(CPA1):c.734G>T (p.Gly245Val)

Gene: CPA1 (carboxypeptidase A1; plus strand). Cytogenetic location: 7q32.2.
Variant type: single nucleotide variant.
Coding change: c.734G>T on transcript NM_001868.4 (MANE Select); coding-DNA position 734, G replaced by T.
Protein change: p.Gly245Val; replaces glycine 245 with valine.
Molecular consequence: missense variant.
Genome position (GRCh38, 1-based): chr7:130,384,573, G>T. VCF-style: chr7-130384573-G-T. GRCh37 (hg19) VCF-style: chr7-130024414-G-T.
Other names: short protein forms G245V.
Identifiers: ClinVar variation 4869381 (VCV004869381.1).

ClinVar aggregate classification (germline): Uncertain significance (1 of 4 stars; one submission).

Conditions:
Hereditary pancreatitis (PCTT). Also called: Hereditary chronic pancreatitis; PRSS1-Related Hereditary Pancreatitis. Identifiers: Orphanet 676, MedGen C0238339, MONDO:0008185, OMIM 167800.

gnomAD v4.1: 2 of 1,614,240 alleles (0.00012%); highest among the groups gnomAD compares: Non-Finnish European, 0.00017%; no homozygotes.

Submission:

Ambry Genetics
Classification: Uncertain significance for Hereditary pancreatitis. Last evaluated: 2026-05-30. Review status: criteria provided, single submitter. Criteria: Ambry Variant Classification Scheme 2023. Collection method: clinical testing. Allele origin: germline.
Comment: The p.G245V variant (also known as c.734G>T), located in coding exon 7 of the CPA1 gene, results from a G to T substitution at nucleotide position 734. The glycine at codon 245 is replaced by valine, an amino acid with dissimilar properties. This amino acid position is conserved. In addition, the in silico prediction for this alteration is inconclusive. Based on the available evidence, the clinical significance of this variant remains unclear.